The following is an entry in ClinVar:

ClinVar aggregate classification (germline): Pathogenic (1 of 4 stars; one submission).

Submission:

Labcorp Genetics (formerly Invitae), Labcorp
Classification: Pathogenic. Last evaluated: 2025-11-10. Review status: criteria provided, single submitter. Criteria: Invitae Variant Classification Sherloc (09022015). Collection method: clinical testing. Allele origin: germline.
Comment: This sequence change creates a premature translational stop signal (p.Pro250Serfs*46) in the SKIV2L gene. It is expected to result in an absent or disrupted protein product. Loss-of-function variants in SKIV2L are known to be pathogenic (PMID: 22444670). This variant is not present in population databases (gnomAD no frequency). This variant has not been reported in the literature in individuals affected with SKIV2L-related conditions. ClinVar contains an entry for this variant (Variation ID: 3727690). For these reasons, this variant has been classified as Pathogenic.

Literature cited by the submitters: PubMed 22444670.

NM_006929.5(SKIC2):c.746dup (p.Pro250fs)

Gene: SKIC2 (SKI2 subunit of superkiller complex; plus strand). Cytogenetic location: 6p21.33.
Variant type: Duplication.
Coding change: c.746dup on transcript NM_006929.5 (MANE Select); coding-DNA position 746, one base duplicated (C; older notation c.746dupC).
Protein change: p.Pro250fs; shifts the reading frame from proline 250.
Molecular consequence: frameshift variant.
Genome position (GRCh38, 1-based): chr6:31,961,343, C duplicated. VCF-style (leftmost placement, unchanged base first): chr6-31961342-G-GC. GRCh37 (hg19) VCF-style: chr6-31929119-G-GC.
Other names: short protein forms P250fs.
Identifiers: ClinVar variation 3727690 (VCV003727690.2).